The following is an entry in ClinVar:

ClinVar aggregate classification (germline): Uncertain significance (1 of 4 stars; one submission).

Submission:

GeneDx
Classification: Uncertain significance. Last evaluated: 2022-09-20. Review status: criteria provided, single submitter. Criteria: GeneDx Variant Classification Process June 2021. Collection method: clinical testing. Allele origin: germline. Affected: yes.
Comment: Not observed at significant frequency in large population cohorts (gnomAD); In silico analysis supports that this missense variant does not alter protein structure/function; Has not been previously published as pathogenic or benign to our knowledge

NM_001256071.3(RNF213):c.14627T>G (p.Leu4876Arg)

Genes: RNF213 (ring finger protein 213; plus strand), RNF213-AS1 (RNF213 antisense RNA 1; minus strand), LOC126862664 (CDK7 strongly-dependent group 2 enhancer GRCh37_chr17:78359110-78360309; plus strand). Cytogenetic location: 17q25.3.
Variant type: single nucleotide variant.
Coding change: c.14627T>G on transcript NM_001256071.3 (MANE Select); coding-DNA position 14627, T replaced by G.
Protein change: p.Leu4876Arg; replaces leucine 4876 with arginine.
Molecular consequence: missense variant.
Genome position (GRCh38, 1-based): chr17:80,386,337, T>G. VCF-style: chr17-80386337-T-G. GRCh37 (hg19) VCF-style: chr17-78360137-T-G.
Other names: c.14774T>G, p.Leu4925Arg (NM_001410195.1, NM_020914.5); short protein forms L4876R, L4925R.
Identifiers: ClinVar variation 2444524 (VCV002444524.1), dbSNP rs2511569559, ClinGen allele CA401380650.